The following is an entry in ClinVar:

ClinVar aggregate classification (germline): Pathogenic. Review status: criteria provided, multiple submitters, no conflicts (2 of 4 stars). 2 submissions from 2 submitters: Pathogenic (2). Last evaluated 2023-06-29.

Conditions:
Capillary malformation-arteriovenous malformation syndrome. Also called: Capillary malformation-arteriovenous malformation. Identifiers: Orphanet 137667, MedGen C1842180, MONDO:0012016.
Capillary malformation-arteriovenous malformation 1 (CMAVM1). Identifiers: Orphanet 137667, Orphanet 693907, MedGen C4747394, MONDO:0020783, OMIM 608354.

Submissions (2):

Molecular Diagnostics Laboratory, M Health Fairview: University of Minnesota
Classification: Pathogenic for Capillary malformation-arteriovenous malformation 1. Last evaluated: 2023-06-29. Review status: criteria provided, single submitter. Criteria: ACMG Guidelines, 2015. Collection method: clinical testing. Allele origin: germline. Affected: yes.

Labcorp Genetics (formerly Invitae), Labcorp
Classification: Pathogenic for Capillary malformation-arteriovenous malformation syndrome. Last evaluated: 2019-03-28. Review status: criteria provided, single submitter. Criteria: Invitae Variant Classification Sherloc (09022015). Collection method: clinical testing. Allele origin: germline.
Comment: This variant has not been reported in the literature in individuals with RASA1-related conditions. For these reasons, this variant has been classified as Pathogenic. Loss-of-function variants in RASA1 are known to be pathogenic (PMID: 24038909). Algorithms developed to predict the effect of sequence changes on RNA splicing suggest that this variant may create or strengthen a splice site, but this prediction has not been confirmed by published transcriptional studies. This sequence change creates a premature translational stop signal (p.Trp351*) in the RASA1 gene. It is expected to result in an absent or disrupted protein product. This variant is not present in population databases (ExAC no frequency).

Literature cited by the submitters: PubMed 24038909 (cited by Labcorp Genetics (formerly Invitae), Labcorp).

NM_002890.3(RASA1):c.1052G>A (p.Trp351Ter)

Genes: CCNH (cyclin H; minus strand), RASA1 (RAS p21 protein activator 1; plus strand). Cytogenetic location: 5q14.3.
Variant type: single nucleotide variant.
Coding change: c.1052G>A on transcript NM_002890.3 (MANE Select); coding-DNA position 1052, G replaced by A.
Protein change: p.Trp351Ter; replaces tryptophan 351 with a stop codon.
Molecular consequence: nonsense. On other transcripts: intron variant (1).
Genome position (GRCh38, 1-based): chr5:87,346,674, G>A. VCF-style: chr5-87346674-G-A. GRCh37 (hg19) VCF-style: chr5-86642491-G-A.
Other names: p.Trp351*; c.521G>A, p.Trp174Ter (NM_022650.3); c.934-33879C>T (NM_001364075.2); short protein forms W174*, W351*.
Identifiers: ClinVar variation 838893 (VCV000838893.8), dbSNP rs1758886343, ClinGen allele CA360362729.